The following is an entry in ClinVar:

NM_001042492.3(NF1):c.2089A>G (p.Asn697Asp)

Gene: NF1 (neurofibromin 1; plus strand). Cytogenetic location: 17q11.2.
Variant type: single nucleotide variant.
Coding change: c.2089A>G on transcript NM_001042492.3 (MANE Select); coding-DNA position 2089, A replaced by G.
Protein change: p.Asn697Asp; replaces asparagine 697 with aspartic acid.
Molecular consequence: missense variant.
Genome position (GRCh38, 1-based): chr17:31,226,522, A>G. VCF-style: chr17-31226522-A-G. GRCh37 (hg19) VCF-style: chr17-29553540-A-G.
Other names: c.2089A>G, p.Asn697Asp (NM_000267.4); short protein forms N697D.
Identifiers: ClinVar variation 1501672 (VCV001501672.6), dbSNP rs2151425757, ClinGen allele CA398982231.

ClinVar aggregate classification (germline): Uncertain significance (1 of 4 stars; one submission).

Conditions:
Neurofibromatosis, type 1 (NF1). Also called: VON RECKLINGHAUSEN DISEASE; NEUROFIBROMATOSIS, TYPE I, SOMATIC; Peripheral type neurofibromatosis; Neurofibromatosis, type I. Identifiers: Orphanet 636, MedGen C0027831, MONDO:0018975, OMIM 162200. Disease mechanism: loss of function.

Submission:

Labcorp Genetics (formerly Invitae), Labcorp
Classification: Uncertain significance for Neurofibromatosis, type 1. Last evaluated: 2025-08-18. Review status: criteria provided, single submitter. Criteria: Invitae Variant Classification Sherloc (09022015). Collection method: clinical testing. Allele origin: germline.
Comment: This sequence change replaces asparagine, which is neutral and polar, with aspartic acid, which is acidic and polar, at codon 697 of the NF1 protein (p.Asn697Asp). This variant is not present in population databases (gnomAD no frequency). This variant has not been reported in the literature in individuals affected with NF1-related conditions. ClinVar contains an entry for this variant (Variation ID: 1501672). Invitae Evidence Modeling of protein sequence and biophysical properties (such as structural, functional, and spatial information, amino acid conservation, physicochemical variation, residue mobility, and thermodynamic stability) indicates that this missense variant is not expected to disrupt NF1 protein function with a negative predictive value of 95%. In summary, the available evidence is currently insufficient to determine the role of this variant in disease. Therefore, it has been classified as a Variant of Uncertain Significance.